The following is an entry in ClinVar:

NM_001267550.2(TTN):c.9827A>G (p.Glu3276Gly)

Gene: TTN (titin; minus strand). Cytogenetic location: 2q31.2.
Variant type: single nucleotide variant.
Coding change: c.9827A>G on transcript NM_001267550.2 (MANE Select); coding-DNA position 9827, A replaced by G.
Protein change: p.Glu3276Gly; replaces glutamic acid 3276 with glycine.
Molecular consequence: missense variant.
Genome position (GRCh38, 1-based): chr2:178,764,688, T>C on the plus strand (A>G on the coding strand, the complement: TTN is on the minus strand). VCF-style: chr2-178764688-T-C. GRCh37 (hg19) VCF-style: chr2-179629415-T-C.
Other names: p.E3276G:GAG>GGG; c.9827A>G, p.Glu3276Gly (NM_001256850.1, NM_133378.4, NM_133379.5); c.9689A>G, p.Glu3230Gly (NM_003319.4, NM_133432.3, NM_133437.4); short protein forms E3276G, E3230G.
Identifiers: ClinVar variation 202345 (VCV000202345.14), dbSNP rs377049518, ClinGen allele CA309159.

ClinVar aggregate classification (germline): Conflicting classifications of pathogenicity. Review status: criteria provided, conflicting classifications (1 of 4 stars). 10 submissions from 6 submitters: Uncertain significance (7); Benign (1); Likely benign (2). Last evaluated 2026-04-16.

Conditions:
TTN-related disorder. Also called: TTN-related condition; TTN-related disease; TTN-related disorders.
Cardiovascular phenotype. Identifiers: MedGen CN230736.
Early-onset myopathy with fatal cardiomyopathy (CMYO5). Also called: Salih Myopathy; CONGENITAL MYOPATHY 5 WITH CARDIOMYOPATHY. Identifiers: Orphanet 289377, MedGen C2673677, MONDO:0012714, OMIM 611705. Disease mechanism: loss of function.
Myopathy, myofibrillar, 9, with early respiratory failure (MFM9). Also called: Myopathy, distal, with early respiratory failure, autosomal dominant; MYOPATHY, PROXIMAL, WITH EARLY RESPIRATORY MUSCLE INVOLVEMENT; Hereditary myopathy with early respiratory failure; EDSTROM MYOPATHY. Identifiers: Orphanet 178464, Orphanet 34521, MedGen C1863599, MONDO:0011362, OMIM 603689.
Autosomal recessive limb-girdle muscular dystrophy type 2J (LGMDR10). Also called: Limb-girdle muscular dystrophy, type 2J; MUSCULAR DYSTROPHY, LIMB-GIRDLE, AUTOSOMAL RECESSIVE 10. Identifiers: Orphanet 140922, MedGen C1837342, MONDO:0012127, OMIM 608807.
Tibial muscular dystrophy (TMD). Also called: Tibial muscular dystrophy, tardive; Udd Distal Myopathy – Tibial Muscular Dystrophy; UDD MYOPATHY. Identifiers: Orphanet 609, MedGen C1838244, MONDO:0010870, OMIM 600334.
Dilated cardiomyopathy 1G (CMD1G). Identifiers: Orphanet 154, MedGen C1858763, MONDO:0011400, OMIM 604145.

Allele frequency attached by ClinVar (database versions not stated): gnomAD exomes 0.00002 and 0.00010; ExAC 0.00003; gnomAD 0.00003 and 0.00004; TOPMed 0.00004; ESP Exome Variant Server 0.00008.
gnomAD v4.1: 143 of 1,614,028 alleles (0.0089%); highest among the groups gnomAD compares: Non-Finnish European, 0.012%; no homozygotes.

Submissions (10):

PreventionGenetics, part of Exact Sciences
Classification: Uncertain significance for TTN-related condition. Last evaluated: 2026-04-16. Review status: criteria provided, single submitter. Criteria: ACMG Guidelines, 2015. Collection method: clinical testing. Allele origin: germline.
Comment: The TTN c.9827A>G variant is predicted to result in the amino acid substitution p.Glu3276Gly. To our knowledge, this variant has not been reported in the literature. This variant is reported in 0.0039% of alleles in individuals of European (Non-Finnish) descent in gnomAD. At this time, the clinical significance of this variant is uncertain due to the absence of conclusive functional and genetic evidence.

Ambry Genetics
Classification: Uncertain significance for Cardiovascular phenotype. Last evaluated: 2020-03-06. Review status: criteria provided, single submitter. Criteria: Ambry Variant Classification Scheme 2023. Collection method: clinical testing. Allele origin: germline.
Comment: The p.E3230G variant (also known as c.9689A>G), located in coding exon 40 of the TTN gene, results from an A to G substitution at nucleotide position 9689. The glutamic acid at codon 3230 is replaced by glycine, an amino acid with similar properties. This amino acid position is not well conserved in available vertebrate species. In addition, this alteration is predicted to be tolerated by in silico analysis. Since supporting evidence is limited at this time, the clinical significance of this alteration remains unclear.

Revvity Omics, Revvity
Classification: Uncertain significance. Last evaluated: 2019-08-14. Review status: criteria provided, single submitter. Criteria: ACMG Guidelines, 2015. Collection method: clinical testing. Allele origin: germline.

Illumina Laboratory Services, Illumina
Classification: Likely benign for Myopathy, myofibrillar, 9, with early respiratory failure. Last evaluated: 2018-01-13. Review status: criteria provided, single submitter. Criteria: ICSL Variant Classification Criteria 13 December 2019. Collection method: clinical testing. Allele origin: germline.
Comment: This variant was observed in the ICSL laboratory as part of a predisposition screen in an ostensibly healthy population. It had not been previously curated by ICSL or reported in the Human Gene Mutation Database (HGMD: prior to June 1st, 2018), and was therefore a candidate for classification through an automated scoring system. Utilizing variant allele frequency, disease prevalence and penetrance estimates, and inheritance mode, an automated score was calculated to assess if this variant is too frequent to cause the disease. Based on the score and internal cut-off values, a variant classified as likely benign is not then subjected to further curation. The score for this variant resulted in a classification of likely benign for this disease.

Illumina Laboratory Services, Illumina
Classification: Uncertain significance for Dilated cardiomyopathy 1G. Last evaluated: 2018-01-13. Review status: criteria provided, single submitter. Criteria: ICSL Variant Classification Criteria 13 December 2019. Collection method: clinical testing. Allele origin: germline.

Illumina Laboratory Services, Illumina
Classification: Uncertain significance for Autosomal recessive limb-girdle muscular dystrophy type 2J. Last evaluated: 2018-01-13. Review status: criteria provided, single submitter. Criteria: ICSL Variant Classification Criteria 13 December 2019. Collection method: clinical testing. Allele origin: germline.

Illumina Laboratory Services, Illumina
Classification: Uncertain significance for Early-onset myopathy with fatal cardiomyopathy. Last evaluated: 2018-01-13. Review status: criteria provided, single submitter. Criteria: ICSL Variant Classification Criteria 13 December 2019. Collection method: clinical testing. Allele origin: germline.

Illumina Laboratory Services, Illumina
Classification: Benign for Tibial muscular dystrophy. Last evaluated: 2018-01-13. Review status: criteria provided, single submitter. Criteria: ICSL Variant Classification Criteria 13 December 2019. Collection method: clinical testing. Allele origin: germline.
Comment: This variant was observed in the ICSL laboratory as part of a predisposition screen in an ostensibly healthy population. It had not been previously curated by ICSL or reported in the Human Gene Mutation Database (HGMD: prior to June 1st, 2018), and was therefore a candidate for classification through an automated scoring system. Utilizing variant allele frequency, disease prevalence and penetrance estimates, and inheritance mode, an automated score was calculated to assess if this variant is too frequent to cause the disease. Based on the score and internal cut-off values, a variant classified as benign is not then subjected to further curation. The score for this variant resulted in a classification of benign for this disease.

Eurofins Ntd Llc (ga)
Classification: Uncertain significance. Last evaluated: 2015-10-13. Review status: criteria provided, single submitter. Criteria: EGL Classification Definitions 2015. Collection method: clinical testing. Allele origin: germline. Observed: 1 variant allele, 1 heterozygote.

GeneDx
Classification: Likely benign. Last evaluated: 2012-08-31. Review status: criteria provided, single submitter. Criteria: GeneDx Variant Classification (06012015). Collection method: clinical testing. Allele origin: germline. Affected: yes.
Comment: This variant is considered likely benign or benign based on one or more of the following criteria: it is a conservative change, it occurs at a poorly conserved position in the protein, it is predicted to be benign by multiple in silico algorithms, and/or has population frequency not consistent with disease.